The following is an entry in ClinVar:

ClinVar aggregate classification (germline): Pathogenic (1 of 4 stars; one submission).

Conditions:
Cholestanol storage disease (CTX). Also called: CTX: Cerebrotendinous xanthomatosis; CEREBRAL CHOLESTERINOSIS; Cerebrotendinous Xanthomatosis. Identifiers: Orphanet 909, MedGen C0238052, MONDO:0008948, OMIM 213700.

Allele frequency attached by ClinVar (database versions not stated): gnomAD exomes below 0.00001; ExAC 0.00001.
gnomAD v4.1: 1 of 1,614,200 alleles (0.000062%); highest among the groups gnomAD compares: Admixed American, 0.0017%; no homozygotes.

Submission:

Labcorp Genetics (formerly Invitae), Labcorp
Classification: Pathogenic for Cholestanol storage disease. Last evaluated: 2023-08-17. Review status: criteria provided, single submitter. Criteria: Invitae Variant Classification Sherloc (09022015). Collection method: clinical testing. Allele origin: germline.
Comment: This sequence change creates a premature translational stop signal (p.Glu215*) in the CYP27A1 gene. It is expected to result in an absent or disrupted protein product. Loss-of-function variants in CYP27A1 are known to be pathogenic (PMID: 9392430, 10775536, 26937392). This variant is present in population databases (rs761663976, gnomAD 0.003%). This variant has not been reported in the literature in individuals affected with CYP27A1-related conditions. ClinVar contains an entry for this variant (Variation ID: 1429007). Algorithms developed to predict the effect of sequence changes on RNA splicing suggest that this variant may create or strengthen a splice site. For these reasons, this variant has been classified as Pathogenic.

Literature cited by the submitters: PubMed 9392430; PubMed 10775536; PubMed 26937392.

NM_000784.4(CYP27A1):c.643G>T (p.Glu215Ter)

Gene: CYP27A1 (cytochrome P450 family 27 subfamily A member 1; plus strand). Cytogenetic location: 2q35.
Variant type: single nucleotide variant.
Coding change: c.643G>T on transcript NM_000784.4 (MANE Select); coding-DNA position 643, G replaced by T.
Protein change: p.Glu215Ter; replaces glutamic acid 215 with a stop codon.
Molecular consequence: nonsense.
Genome position (GRCh38, 1-based): chr2:218,812,418, G>T. VCF-style: chr2-218812418-G-T. GRCh37 (hg19) VCF-style: chr2-219677141-G-T.
Other names: short protein forms E215*.
Identifiers: ClinVar variation 1429007 (VCV001429007.6), dbSNP rs761663976, ClinGen allele CA2112669.